The following is an entry in ClinVar:

NM_199420.4(POLQ):c.3512T>G (p.Val1171Gly)

Gene: POLQ (DNA polymerase theta; minus strand). Cytogenetic location: 3q13.33.
Variant type: single nucleotide variant.
Coding change: c.3512T>G on transcript NM_199420.4 (MANE Select); coding-DNA position 3512, T replaced by G.
Protein change: p.Val1171Gly; replaces valine 1171 with glycine.
Molecular consequence: missense variant.
Genome position (GRCh38, 1-based): chr3:121,489,419, A>C on the plus strand (T>G on the coding strand, the complement: POLQ is on the minus strand). VCF-style: chr3-121489419-A-C. GRCh37 (hg19) VCF-style: chr3-121208266-A-C.
Other names: short protein forms V1171G.
Identifiers: ClinVar variation 1732177 (VCV001732177.2), dbSNP rs2546787307, ClinGen allele CA354099564.
Genomic context (GRCh38, chr3:121,489,419, plus strand): 5'-GGATGGATGTCATGGTGTTTCATATAAACATTCTGGTTTTTTGAACCATTTTGTATCAGC[A>C]CTTCATTTATTTTTTCTGCCTCAACAGCTACTCCTCTGCCCTTTTCACTAACCACACTAG-3'
Protein context (NP_955452.3, residues 1161-1181): VAVEAEKINE[Val1171Gly]LIQNGSKNQN

ClinVar aggregate classification (germline): Uncertain significance (1 of 4 stars; one submission).

Submission:

Ambry Genetics
Classification: Uncertain significance. Last evaluated: 2021-09-26. Review status: criteria provided, single submitter. Criteria: Ambry Variant Classification Scheme 2023. Collection method: clinical testing. Allele origin: germline.
Comment: The p.V1171G variant (also known as c.3512T>G), located in coding exon 16 of the POLQ gene, results from a T to G substitution at nucleotide position 3512. The valine at codon 1171 is replaced by glycine, an amino acid with dissimilar properties. This amino acid position is conserved. In addition, this alteration is predicted to be tolerated by in silico analysis. Since supporting evidence is limited at this time, the clinical significance of this alteration remains unclear.